The following is an entry in ClinVar:

ClinVar aggregate classification (germline): Likely benign (1 of 4 stars; one submission).

Conditions:
Lymphoproliferative syndrome 1 (LPFS1). Identifiers: Orphanet 238505, Orphanet 538963, MedGen C3552634, MONDO:0013081, OMIM 613011.

Allele frequency attached by ClinVar (database versions not stated): gnomAD 0.00009 and 0.00012; TOPMed 0.00020; gnomAD exomes 0.00024; 1000 Genomes Project 0.00080; 1000 Genomes Project 30x 0.00125.
gnomAD v4.1: 51 of 292,590 alleles (0.017%); highest among the groups gnomAD compares: East Asian, 0.22%; 1 homozygote.

Submission:

Illumina Laboratory Services, Illumina
Classification: Likely benign for Lymphoproliferative syndrome 1. Last evaluated: 2018-01-12. Review status: criteria provided, single submitter. Criteria: ICSL Variant Classification Criteria 13 December 2019. Collection method: clinical testing. Allele origin: germline.
Comment: This variant was observed in the ICSL laboratory as part of a predisposition screen in an ostensibly healthy population. It had not been previously curated by ICSL or reported in the Human Gene Mutation Database (HGMD: prior to June 1st, 2018), and was therefore a candidate for classification through an automated scoring system. Utilizing variant allele frequency, disease prevalence and penetrance estimates, and inheritance mode, an automated score was calculated to assess if this variant is too frequent to cause the disease. Based on the score and internal cut-off values, a variant classified as likely benign is not then subjected to further curation. The score for this variant resulted in a classification of likely benign for this disease.

NM_005546.4(ITK):c.*492T>C

Gene: ITK (IL2 inducible T cell kinase; plus strand). Cytogenetic location: 5q33.3.
Variant type: single nucleotide variant.
Coding change: c.*492T>C on transcript NM_005546.4 (MANE Select); 492 bases downstream of the stop codon, T replaced by C.
Molecular consequence: 3 prime UTR variant.
Genome position (GRCh38, 1-based): chr5:157,253,170, T>C. VCF-style: chr5-157253170-T-C. GRCh37 (hg19) VCF-style: chr5-156680180-T-C.
Identifiers: ClinVar variation 907190 (VCV000907190.4), dbSNP rs140503678, ClinGen allele CA130165005.
Genomic context (GRCh38, chr5:157,253,170, plus strand): 5'-CCAGGATATGGAGGCAAGGGGAACAAAGAGCATGAGTCTTTTTCCAAGAAAACTGGTGAG[T>C]TAAGTAAGATTAGAGTGAGTGTGCTCTGTTGCTGTGATGCTGTCAGCCACAGCTTCCTGC-3'